The following is an entry in ClinVar:

ClinVar aggregate classification (germline): Conflicting classifications of pathogenicity. Review status: criteria provided, conflicting classifications (1 of 4 stars). 2 submissions from 2 submitters: Likely pathogenic (1); Uncertain significance (1). Last evaluated 2022-10-14.

Conditions:
Neurofibromatosis, type 1 (NF1). Also called: Neurofibromatosis, type I; VON RECKLINGHAUSEN DISEASE; NEUROFIBROMATOSIS, TYPE I, SOMATIC; Peripheral type neurofibromatosis. Identifiers: Orphanet 636, MedGen C0027831, MONDO:0018975, OMIM 162200. Disease mechanism: loss of function.

Submissions (2):

Servicio Canario de Salud, Hospital Universitario Nuestra Sra. de Candelaria
Classification: Likely pathogenic for Neurofibromatosis, type 1. Last evaluated: 2022-10-14. Review status: criteria provided, single submitter. Criteria: ACMG Guidelines, 2015. Collection method: clinical testing. Allele origin: de novo. Inheritance: Autosomal dominant inheritance. Affected: yes. Observed: 1 heterozygote.
Comment: The c.2325+3A>T NF1 sequence change falls in intron 19 of the NF1 gene. It does not directly change the encoded amino acid sequence of the NF1 protein, but it affects a nucleotide near the consensus splice site of the intron. This variant was absent from large population studies (gnomAD no frequency). This alteration is predicted to be deleterious by in silico splicing analysis (NNSplice, NetGene2), but this prediction has not been confirmed by functional studies. A different variant affecting this nucleotide (c.2325+3A>G) has been reported in individuals with suspected neurofibromatosis type 1 and determined to be pathogenic (PMID: 23913538). In summary, the c.2325+3A>T variant meets our criteria to be classified as likely pathogenic based upon its absence from controls, computational evidence of pathogenicity, de novo occurrence and specific patient´s phenotype.

Labcorp Genetics (formerly Invitae), Labcorp
Classification: Uncertain significance for Neurofibromatosis, type 1. Last evaluated: 2022-01-15. Review status: criteria provided, single submitter. Criteria: Invitae Variant Classification Sherloc (09022015). Collection method: clinical testing. Allele origin: germline.
Comment: In summary, the available evidence is currently insufficient to determine the role of this variant in disease. Therefore, it has been classified as a Variant of Uncertain Significance. This variant disrupts the c.2325+3A nucleotide in the NF1 gene. Other variant(s) that disrupt this nucleotide have been determined to be pathogenic (PMID: 23913538; Invitae). This suggests that this nucleotide is clinically significant, and that variants that disrupt this position are likely to be disease-causing. Variants that disrupt the consensus splice site are a relatively common cause of aberrant splicing (PMID: 17576681, 9536098). Algorithms developed to predict the effect of sequence changes on RNA splicing suggest that this variant may disrupt the consensus splice site. This variant has not been reported in the literature in individuals affected with NF1-related conditions. This variant is not present in population databases (gnomAD no frequency). This sequence change falls in intron 19 of the NF1 gene. It does not directly change the encoded amino acid sequence of the NF1 protein. It affects a nucleotide within the consensus splice site.

Literature cited by the submitters: PubMed 23913538 (cited by Labcorp Genetics (formerly Invitae), Labcorp); PubMed 17576681 (cited by Labcorp Genetics (formerly Invitae), Labcorp); PubMed 9536098 (cited by Labcorp Genetics (formerly Invitae), Labcorp).

NM_001042492.3(NF1):c.2325+3A>T

Gene: NF1 (neurofibromin 1; plus strand). Cytogenetic location: 17q11.2.
Variant type: single nucleotide variant.
Coding change: c.2325+3A>T on transcript NM_001042492.3 (MANE Select); 3 bases into the intron after coding-DNA position 2325, A replaced by T.
Molecular consequence: intron variant.
Genome position (GRCh38, 1-based): chr17:31,227,294, A>T. VCF-style: chr17-31227294-A-T. GRCh37 (hg19) VCF-style: chr17-29554312-A-T.
Other names: c.2325+3A>T (NM_000267.4).
Identifiers: ClinVar variation 1723132 (VCV001723132.8), dbSNP rs1057517848, ClinGen allele CA2580093190.